The following is an entry in ClinVar:

ClinVar aggregate classification (germline): Benign (1 of 4 stars; one submission).

Conditions:
Neonatal diabetes mellitus with congenital hypothyroidism. Also called: NDH SYNDROME. Identifiers: Orphanet 79118, MedGen C1857775, MONDO:0012436, OMIM 610199.

Allele frequency attached by ClinVar (database versions not stated): TOPMed 0.00799; gnomAD 0.00826 and 0.00912; 1000 Genomes Project 30x 0.01062; 1000 Genomes Project 0.01078.

Submission:

Illumina Laboratory Services, Illumina
Classification: Benign for Neonatal diabetes mellitus with congenital hypothyroidism. Last evaluated: 2018-01-13. Review status: criteria provided, single submitter. Criteria: ICSL Variant Classification Criteria 13 December 2019. Collection method: clinical testing. Allele origin: germline.
Comment: This variant was observed in the ICSL laboratory as part of a predisposition screen in an ostensibly healthy population. It had not been previously curated by ICSL or reported in the Human Gene Mutation Database (HGMD: prior to June 1st, 2018), and was therefore a candidate for classification through an automated scoring system. Utilizing variant allele frequency, disease prevalence and penetrance estimates, and inheritance mode, an automated score was calculated to assess if this variant is too frequent to cause the disease. Based on the score and internal cut-off values, a variant classified as benign is not then subjected to further curation. The score for this variant resulted in a classification of benign for this disease.

NM_001042413.2(GLIS3):c.*2856A>C

Gene: GLIS3 (GLIS family zinc finger 3; minus strand). Cytogenetic location: 9p24.2.
Variant type: single nucleotide variant.
Coding change: c.*2856A>C on transcript NM_001042413.2 (MANE Select); 2856 bases downstream of the stop codon, A replaced by C.
Molecular consequence: 3 prime UTR variant.
Genome position (GRCh38, 1-based): chr9:3,825,416, T>G on the plus strand (A>C on the coding strand, the complement: GLIS3 is on the minus strand). VCF-style: chr9-3825416-T-G. GRCh37 (hg19) VCF-style: chr9-3825416-T-G.
Other names: c.*2856A>C (NM_152629.4).
Identifiers: ClinVar variation 366906 (VCV000366906.5), dbSNP rs147347517, ClinGen allele CA10627345.
Genomic context (GRCh38, chr9:3,825,416, plus strand): 5'-TACAACTGACATTTTGATGCAGTTTCGTTAGGGAATTAAGACAATGCAGCCAATGAAATG[T>G]CTCTAGGCAGACTGATTTTTTTTTTAATGCAATAGGATAATTGTCTTTGCGCTGTGTGTT-3'